The following is an entry in ClinVar:

ClinVar aggregate classification (germline): Uncertain significance. Review status: criteria provided, multiple submitters, no conflicts (2 of 4 stars). 3 submissions from 3 submitters: Uncertain significance (3). Last evaluated 2025-10-23.

Conditions:
Inborn genetic diseases. Identifiers: MedGen C0950123, MeSH D030342.
Vesicoureteral reflux 3 (VUR3). Identifiers: Orphanet 289365, MedGen C3150927, MONDO:0013356, OMIM 613674.

Allele frequency attached by ClinVar (database versions not stated): gnomAD 0.00001; TOPMed 0.00001; ExAC 0.00009.

Submissions (3):

Ambry Genetics
Classification: Uncertain significance for Inborn genetic diseases. Last evaluated: 2025-10-23. Review status: criteria provided, single submitter. Criteria: Ambry Variant Classification Scheme 2023. Collection method: clinical testing. Allele origin: germline.

Labcorp Genetics (formerly Invitae), Labcorp
Classification: Uncertain significance. Last evaluated: 2024-08-31. Review status: criteria provided, single submitter. Criteria: Invitae Variant Classification Sherloc (09022015). Collection method: clinical testing. Allele origin: germline.
Comment: This sequence change replaces leucine, which is neutral and non-polar, with valine, which is neutral and non-polar, at codon 209 of the SOX17 protein (p.Leu209Val). This variant is present in population databases (rs751909965, gnomAD 0.01%). This variant has not been reported in the literature in individuals affected with SOX17-related conditions. ClinVar contains an entry for this variant (Variation ID: 1923236). Invitae Evidence Modeling of protein sequence and biophysical properties (such as structural, functional, and spatial information, amino acid conservation, physicochemical variation, residue mobility, and thermodynamic stability) indicates that this missense variant is not expected to disrupt SOX17 protein function with a negative predictive value of 80%. In summary, the available evidence is currently insufficient to determine the role of this variant in disease. Therefore, it has been classified as a Variant of Uncertain Significance.

Fulgent Genetics
Classification: Uncertain significance for Vesicoureteral reflux 3. Last evaluated: 2024-03-22. Review status: criteria provided, single submitter. Criteria: ACMG Guidelines, 2015. Collection method: clinical testing. Allele origin: germline.

NM_022454.4(SOX17):c.625C>G (p.Leu209Val)

Gene: SOX17 (SRY-box transcription factor 17; plus strand). Cytogenetic location: 8q11.23.
Variant type: single nucleotide variant.
Coding change: c.625C>G on transcript NM_022454.4 (MANE Select); coding-DNA position 625, C replaced by G.
Protein change: p.Leu209Val; replaces leucine 209 with valine.
Molecular consequence: missense variant.
Genome position (GRCh38, 1-based): chr8:54,459,375, C>G. VCF-style: chr8-54459375-C-G. GRCh37 (hg19) VCF-style: chr8-55371935-C-G.
Other names: c.625C>G (NM_022454.3); short protein forms L209V.
Identifiers: ClinVar variation 1923236 (VCV001923236.7), dbSNP rs751909965, ClinGen allele CA4750946.